The following is an entry in ClinVar:

ClinVar aggregate classification (germline): Likely benign (1 of 4 stars; one submission).

gnomAD v4.1: 23 of 398,286 alleles (0.0058%); highest among the groups gnomAD compares: Admixed American, 0.031%; no homozygotes.

Submission:

CeGaT Center for Human Genetics Tuebingen
Classification: Likely benign. Last evaluated: 2025-09-01. Review status: criteria provided, single submitter. Criteria: CeGaT Center For Human Genetics Tuebingen Variant Classification Criteria Version 2. Collection method: clinical testing. Allele origin: germline. Affected: yes. Observed: 1 variant allele.
Comment: ADNP: BP4, BP7

NM_001282531.3(ADNP):c.*1513A>C

Gene: ADNP (activity dependent neuroprotector homeobox; minus strand). Cytogenetic location: 20q13.13.
Variant type: single nucleotide variant.
Coding change: c.*1513A>C on transcript NM_001282531.3 (MANE Select); 1513 bases downstream of the stop codon, A replaced by C.
Molecular consequence: 3 prime UTR variant.
Genome position (GRCh38, 1-based): chr20:50,889,892, T>G on the plus strand (A>C on the coding strand, the complement: ADNP is on the minus strand). VCF-style: chr20-50889892-T-G. GRCh37 (hg19) VCF-style: chr20-49506429-T-G.
Other names: c.*1513A>C (NM_001282532.2, NM_001347511.2, NM_001439000.1 and 3 more transcripts).
Identifiers: ClinVar variation 4281185 (VCV004281185.7).